The following is an entry in ClinVar:

ClinVar aggregate classification (germline): Uncertain significance (1 of 4 stars; one submission).

Allele frequency attached by ClinVar (database versions not stated): gnomAD 0.00001; gnomAD exomes 0.00001; TOPMed below 0.00001.
gnomAD v4.1: 18 of 1,614,058 alleles (0.0011%); highest among the groups gnomAD compares: East Asian, 0.0045%; no homozygotes.

Submission:

Labcorp Genetics (formerly Invitae), Labcorp
Classification: Uncertain significance. Last evaluated: 2021-10-11. Review status: criteria provided, single submitter. Criteria: Invitae Variant Classification Sherloc (09022015). Collection method: clinical testing. Allele origin: germline.
Comment: This sequence change replaces arginine with cysteine at codon 408 of the CDAN1 protein (p.Arg408Cys). The arginine residue is moderately conserved and there is a large physicochemical difference between arginine and cysteine. This variant is not present in population databases (ExAC no frequency). This variant has not been reported in the literature in individuals affected with CDAN1-related conditions. Algorithms developed to predict the effect of missense changes on protein structure and function are either unavailable or do not agree on the potential impact of this missense change (SIFT: "Tolerated"; PolyPhen-2: "Possibly Damaging"; Align-GVGD: "Class C0"). In summary, the available evidence is currently insufficient to determine the role of this variant in disease. Therefore, it has been classified as a Variant of Uncertain Significance.

NM_138477.4(CDAN1):c.1222C>T (p.Arg408Cys)

Gene: CDAN1 (codanin 1; minus strand). Cytogenetic location: 15q15.2.
Variant type: single nucleotide variant.
Coding change: c.1222C>T on transcript NM_138477.4 (MANE Select); coding-DNA position 1222, C replaced by T.
Protein change: p.Arg408Cys; replaces arginine 408 with cysteine.
Molecular consequence: missense variant.
Genome position (GRCh38, 1-based): chr15:42,734,261, G>A on the plus strand (C>T on the coding strand, the complement: CDAN1 is on the minus strand). VCF-style: chr15-42734261-G-A. GRCh37 (hg19) VCF-style: chr15-43026459-G-A.
Other names: short protein forms R408C.
Identifiers: ClinVar variation 1351179 (VCV001351179.3), dbSNP rs1213059820, ClinGen allele CA392049735.
Genomic context (GRCh38, chr15:42,734,261, plus strand): 5'-TGGGCAACTAAGCTGGGGTTACTACCTTGGCAACACTGCCCTCATAGGCAGCTCGAAGGC[G>A]GCCTTGCAGAGCTGGTGAGAAGCACAGCAGCCGCTCATTCTCAGCCAGCAGCTTCAAGGT-3'
Protein context (NP_612486.2, residues 398-418): LLCFSPALQG[Arg408Cys]LRAAYEGSVA